The following is an entry in ClinVar:

ClinVar aggregate classification (germline): Benign. Review status: criteria provided, multiple submitters, no conflicts (2 of 4 stars). 3 submissions from 3 submitters: Benign (2). 1 of the submissions does not count toward it. Last evaluated 2023-12-12.

Conditions:
NCOR2-related disorder. Also called: NCOR2-related condition.

Submissions (3):

Genomic Medicine Center of Excellence, King Faisal Specialist Hospital and Research Centre
Classification: Benign. Last evaluated: 2023-12-12. Review status: criteria provided, single submitter. Criteria: ACMG Guidelines, 2015. Collection method: research. Allele origin: germline.

GeneDx
Classification: Benign. Last evaluated: 2020-01-23. Review status: criteria provided, single submitter. Criteria: GeneDx Variant Classification Process June 2021. Collection method: clinical testing. Allele origin: germline. Affected: yes.

PreventionGenetics, part of Exact Sciences
Classification: Benign for NCOR2-related condition. Last evaluated: 2019-02-21. Review status: no assertion criteria provided. Collection method: clinical testing. Allele origin: germline. Not counted in ClinVar's aggregate classification.
Comment: This variant is classified as benign based on ACMG/AMP sequence variant interpretation guidelines (Richards et al. 2015 PMID: 25741868, with internal and published modifications).

NM_006312.6(NCOR2):c.1496AGC[13] (p.Gln510dup)

Gene: NCOR2 (nuclear receptor corepressor 2; minus strand). Cytogenetic location: 12q24.31.
Variant type: Microsatellite.
Coding change: c.1496AGC[13] on transcript NM_006312.6 (MANE Select); 13 copies in a row of the 3-base unit AGC starting at c.1496; the reference has 12 copies in a row; one copy, 3 bases duplicated.
Protein change: p.Gln510dup; duplicates glutamine 510.
Molecular consequence: inframe insertion.
Genome position (GRCh38, 1-based): chr12:124,402,513-124,402,515, GCT duplicated on the plus strand (AGC on the coding strand, the reverse complement: NCOR2 is on the minus strand); duplicating any 3 consecutive bases within chr12:124,402,513-124,402,549 gives the same sequence; the position shown is the placement nearest the transcript's 3' end. VCF-style (leftmost placement, unchanged base first): chr12-124402512-G-GGCT. GRCh37 (hg19) VCF-style: chr12-124887058-G-GGCT.
Other names: c.1493AGC[13], p.Gln509dup (NM_001077261.4, NM_001206654.2).
Identifiers: ClinVar variation 1181246 (VCV001181246.5), dbSNP rs35831183, ClinGen allele CA6869459.
Genomic context (GRCh38, chr12:124,402,512, plus strand): 5'-TTCTCCGCCTCCTTTTCCTTCTCCTTCTCATCTTTCTCCTCCTGGCTGCTGCGGGGCATG[G>GGCT]GCTGCTGCTGCTGCTGCTGCTGCTGCTGCTGCTGCTGTTGTTGCTGCTGCTGTCAGACCC-3'